The following is an entry in ClinVar:

ClinVar aggregate classification (germline): Likely benign. Review status: criteria provided, multiple submitters, no conflicts (2 of 4 stars). 3 submissions from 3 submitters: Likely benign (3). Last evaluated 2026-08-18.

Conditions:
Cardiovascular phenotype. Identifiers: MedGen CN230736.
APOA5-related disorder. Also called: APOA5-related condition.

Allele frequency attached by ClinVar (database versions not stated): ExAC 0.00005; gnomAD 0.00005; TOPMed 0.00008; gnomAD exomes 0.00014; ESP Exome Variant Server 0.00015.
gnomAD v4.1: 212 of 1,610,842 alleles (0.013%); highest among the groups gnomAD compares: Non-Finnish European, 0.017%; no homozygotes.

Submissions (3):

PreventionGenetics, part of Exact Sciences
Classification: Likely benign for APOA5-related condition. Last evaluated: 2026-08-18. Review status: criteria provided, single submitter. Criteria: ACMG Guidelines, 2015. Collection method: clinical testing. Allele origin: germline.
Comment: This variant is classified as likely benign based on ACMG/AMP sequence variant interpretation guidelines (Richards et al. 2015 PMID: 25741868, with internal and published modifications).

Labcorp Genetics (formerly Invitae), Labcorp
Classification: Likely benign. Last evaluated: 2025-11-23. Review status: criteria provided, single submitter. Criteria: Invitae Variant Classification Sherloc (09022015). Collection method: clinical testing. Allele origin: germline.

Ambry Genetics
Classification: Likely benign for Cardiovascular phenotype. Last evaluated: 2022-04-29. Review status: criteria provided, single submitter. Criteria: Ambry Variant Classification Scheme 2023. Collection method: clinical testing. Allele origin: germline.

NM_001371904.1(APOA5):c.597G>A (p.Val199=)

Gene: APOA5 (apolipoprotein A5; minus strand). Cytogenetic location: 11q23.3.
Variant type: single nucleotide variant.
Coding change: c.597G>A on transcript NM_001371904.1 (MANE Select); coding-DNA position 597, G replaced by A.
Protein change: p.Val199=; no amino-acid change (valine 199 retained).
Molecular consequence: synonymous variant.
Genome position (GRCh38, 1-based): chr11:116,790,632, C>T on the plus strand (G>A on the coding strand, the complement: APOA5 is on the minus strand). VCF-style: chr11-116790632-C-T. GRCh37 (hg19) VCF-style: chr11-116661348-C-T.
Other names: c.597G>A, p.Val199= (NM_001166598.2, NM_052968.5).
Identifiers: ClinVar variation 1750829 (VCV001750829.8), dbSNP rs374702553, ClinGen allele CA6289045.